The following is an entry in ClinVar:

NM_005515.4(MNX1):c.503C>G (p.Ala168Gly)

Genes: MNX1 (motor neuron and pancreas homeobox 1; minus strand), LOC129999735 (ATAC-STARR-seq lymphoblastoid silent region 18857; plus strand). Cytogenetic location: 7q36.3.
Variant type: single nucleotide variant.
Coding change: c.503C>G on transcript NM_005515.4 (MANE Select); coding-DNA position 503, C replaced by G.
Protein change: p.Ala168Gly; replaces alanine 168 with glycine.
Molecular consequence: missense variant.
Genome position (GRCh38, 1-based): chr7:157,009,848, G>C on the plus strand (C>G on the coding strand, the complement: MNX1 is on the minus strand). VCF-style: chr7-157009848-G-C. GRCh37 (hg19) VCF-style: chr7-156802542-G-C.
Other names: short protein forms A168G.
Identifiers: ClinVar variation 3772535 (VCV003772535.13).
Genomic context (GRCh38, chr7:157,009,848, plus strand): 5'-TGCGGGTACGAGTAGGAGAGCGCCGGGTGCTGGCCCGCCAGCGCAGCCGCCGCCGCCGCC[G>C]CGGAGTAGCCGTAGACCGGGTGGCCGTAGAGCGCCGCCTGCGCCGGGAGGCCCGCGCCGC-3'
Protein context (NP_005506.3, residues 158-178): LYGHPVYGYS[Ala168Gly]AAAAAALAGQ

ClinVar aggregate classification (germline): Uncertain significance (1 of 4 stars; one submission).

Submission:

CeGaT Center for Human Genetics Tuebingen
Classification: Uncertain significance. Last evaluated: 2025-02-01. Review status: criteria provided, single submitter. Criteria: CeGaT Center For Human Genetics Tuebingen Variant Classification Criteria Version 2. Collection method: clinical testing. Allele origin: germline. Affected: yes. Observed: 1 variant allele.
Comment: MNX1: PM2, PP3